The following is an entry in ClinVar:

NM_001818.5(AKR1C4):c.85-98C>G

Gene: AKR1C4 (aldo-keto reductase family 1 member C4; plus strand). Cytogenetic location: 10p15.1.
Variant type: single nucleotide variant.
Coding change: c.85-98C>G on transcript NM_001818.5 (MANE Select); 98 bases into the intron before coding-DNA position 85, C replaced by G.
Molecular consequence: intron variant.
Genome position (GRCh38, 1-based): chr10:5,200,083, C>G. VCF-style: chr10-5200083-C-G. GRCh37 (hg19) VCF-style: chr10-5242046-C-G.
Identifiers: ClinVar variation 3034155 (VCV003034155.2), dbSNP rs187171962, ClinGen allele CA202207626.

ClinVar aggregate classification (germline): Likely benign (0 of 4 stars; one submission).

Conditions:
AKR1C4-related disorder. Also called: AKR1C4-related condition.

Allele frequency attached by ClinVar (database versions not stated): TOPMed 0.00008; 1000 Genomes Project 30x 0.00016; gnomAD 0.00018; 1000 Genomes Project 0.00020; gnomAD exomes 0.00029.
gnomAD v4.1: 440 of 1,485,914 alleles (0.03%); highest among the groups gnomAD compares: Non-Finnish European, 0.033%; 1 homozygote.

Submission:

PreventionGenetics, part of Exact Sciences
Classification: Likely benign for AKR1C4-related condition. Last evaluated: 2024-02-13. Review status: no assertion criteria provided. Collection method: clinical testing. Allele origin: germline.
Comment: This variant is classified as likely benign based on ACMG/AMP sequence variant interpretation guidelines (Richards et al. 2015 PMID: 25741868, with internal and published modifications).